The following is an entry in ClinVar:

NM_001283009.2(RTEL1):c.3211C>G (p.Leu1071Val)

Genes: RTEL1 (regulator of telomere elongation helicase 1; plus strand), RTEL1-TNFRSF6B (RTEL1-TNFRSF6B readthrough (NMD candidate); plus strand). Cytogenetic location: 20q13.33.
Variant type: single nucleotide variant.
Coding change: c.3211C>G on transcript NM_001283009.2 (MANE Select); coding-DNA position 3211, C replaced by G.
Protein change: p.Leu1071Val; replaces leucine 1071 with valine.
Molecular consequence: missense variant. On other transcripts: non-coding transcript variant (1).
Genome position (GRCh38, 1-based): chr20:63,694,842, C>G. VCF-style: chr20-63694842-C-G. GRCh37 (hg19) VCF-style: chr20-62326195-C-G.
Other names: c.2542C>G, p.Leu848Val (NM_001283010.1); c.3211C>G, p.Leu1071Val (NM_016434.4); c.3283C>G, p.Leu1095Val (NM_032957.5); short protein forms L848V, L1071V, L1095V.
Identifiers: ClinVar variation 4157685 (VCV004157685.1).

ClinVar aggregate classification (germline): Uncertain significance (1 of 4 stars; one submission).

Conditions:
Inborn genetic diseases. Identifiers: MedGen C0950123, MeSH D030342.

Submission:

Ambry Genetics
Classification: Uncertain significance for Inborn genetic diseases. Last evaluated: 2025-08-22. Review status: criteria provided, single submitter. Criteria: Ambry Variant Classification Scheme 2023. Collection method: clinical testing. Allele origin: germline.
Comment: The p.L1071V variant (also known as c.3211C>G), located in coding exon 31 of the RTEL1 gene, results from a C to G substitution at nucleotide position 3211. The leucine at codon 1071 is replaced by valine, an amino acid with highly similar properties. This amino acid position is conserved. In addition, the in silico prediction for this alteration is inconclusive. Based on the available evidence, the clinical significance of this variant remains unclear.